The following is an entry in ClinVar:

NM_003242.6(TGFBR2):c.1130A>C (p.His377Pro)

Gene: TGFBR2 (transforming growth factor beta receptor 2; plus strand). Cytogenetic location: 3p24.1.
Variant type: single nucleotide variant.
Coding change: c.1130A>C on transcript NM_003242.6 (MANE Select); coding-DNA position 1130, A replaced by C.
Protein change: p.His377Pro; replaces histidine 377 with proline.
Molecular consequence: missense variant. On other transcripts: intron variant (1).
Genome position (GRCh38, 1-based): chr3:30,672,313, A>C. VCF-style: chr3-30672313-A-C. GRCh37 (hg19) VCF-style: chr3-30713805-A-C.
Other names: c.1205A>C, p.His402Pro (NM_001024847.3); c.1313A>C, p.His438Pro (NM_001407126.1); c.1238A>C, p.His413Pro (NM_001407127.1); c.1157A>C, p.His386Pro (NM_001407128.1); c.1133A>C, p.His378Pro (NM_001407129.1); c.1130A>C, p.His377Pro (NM_001407130.1); c.1025A>C, p.His342Pro (NM_001407132.1, NM_001407133.1, NM_001407134.1 and 2 more transcripts); c.845A>C, p.His282Pro (NM_001407137.1); and 2 more; short protein forms H402P, H413P, H282P, H342P, H377P, H386P, H438P, H257P.
Identifiers: ClinVar variation 2734458 (VCV002734458.3), dbSNP rs1553630274, ClinGen allele CA351808599.

ClinVar aggregate classification (germline): Likely pathogenic (1 of 4 stars; one submission).

Conditions:
Familial thoracic aortic aneurysm and aortic dissection (TAAD). Also called: Thoracic aortic aneurysms and dissections. Identifiers: Orphanet 91387, MedGen C4707243, MONDO:0019625.

Submission:

Labcorp Genetics (formerly Invitae), Labcorp
Classification: Likely pathogenic for Familial thoracic aortic aneurysm and aortic dissection. Last evaluated: 2023-02-03. Review status: criteria provided, single submitter. Criteria: Invitae Variant Classification Sherloc (09022015). Collection method: clinical testing. Allele origin: germline.
Comment: This sequence change replaces histidine, which is basic and polar, with proline, which is neutral and non-polar, at codon 377 of the TGFBR2 protein (p.His377Pro). This variant is not present in population databases (gnomAD no frequency). This missense change has been observed in individual(s) with clinical features of Loeys-Dietz syndrome (PMID: 18781618; Invitae). Advanced modeling of protein sequence and biophysical properties (such as structural, functional, and spatial information, amino acid conservation, physicochemical variation, residue mobility, and thermodynamic stability) performed at Invitae indicates that this missense variant is expected to disrupt TGFBR2 protein function. This variant disrupts the p.His377 amino acid residue in TGFBR2. Other variant(s) that disrupt this residue have been determined to be pathogenic (PMID: 22113417, 27879313; Invitae). This suggests that this residue is clinically significant, and that variants that disrupt this residue are likely to be disease-causing. In summary, the currently available evidence indicates that the variant is pathogenic, but additional data are needed to prove that conclusively. Therefore, this variant has been classified as Likely Pathogenic.

Literature cited by the submitters: PubMed 18781618; PubMed 22113417; PubMed 27879313.